The following is an entry in ClinVar:

NM_000807.4(GABRA2):c.449A>T (p.Asp150Val)

Gene: GABRA2 (gamma-aminobutyric acid type A receptor subunit alpha2; minus strand). Cytogenetic location: 4p12.
Variant type: single nucleotide variant.
Coding change: c.449A>T on transcript NM_000807.4 (MANE Select); coding-DNA position 449, A replaced by T.
Protein change: p.Asp150Val; replaces aspartic acid 150 with valine.
Molecular consequence: missense variant.
Genome position (GRCh38, 1-based): chr4:46,312,523, T>A on the plus strand (A>T on the coding strand, the complement: GABRA2 is on the minus strand). VCF-style: chr4-46312523-T-A. GRCh37 (hg19) VCF-style: chr4-46314540-T-A.
Other names: c.449A>T, p.Asp150Val (NM_001377150.1, NM_001377151.1, NM_001377155.1 and 8 more transcripts); c.284A>T, p.Asp95Val (NM_001377152.1, NM_001377153.1, NM_001377154.1 and 1 more transcripts); short protein forms D150V, D95V.
Identifiers: ClinVar variation 2858576 (VCV002858576.3), dbSNP rs1200995910, ClinGen allele CA356799775.

ClinVar aggregate classification (germline): Uncertain significance (1 of 4 stars; one submission).

Allele frequency attached by ClinVar (database versions not stated): gnomAD exomes below 0.00001.
gnomAD v4.1: 1 of 1,608,038 alleles (0.000062%); highest among the groups gnomAD compares: Admixed American, 0.0017%; no homozygotes.

Submission:

Labcorp Genetics (formerly Invitae), Labcorp
Classification: Uncertain significance. Last evaluated: 2023-04-23. Review status: criteria provided, single submitter. Criteria: Invitae Variant Classification Sherloc (09022015). Collection method: clinical testing. Allele origin: germline.
Comment: In summary, the available evidence is currently insufficient to determine the role of this variant in disease. Therefore, it has been classified as a Variant of Uncertain Significance. This sequence change replaces aspartic acid, which is acidic and polar, with valine, which is neutral and non-polar, at codon 150 of the GABRA2 protein (p.Asp150Val). This variant is present in population databases (no rsID available, gnomAD 0.003%). This variant has not been reported in the literature in individuals affected with GABRA2-related conditions. An algorithm developed to predict the effect of missense changes on protein structure and function (PolyPhen-2) suggests that this variant is likely to be disruptive.